The following is an entry in ClinVar:

NM_144573.4(NEXN):c.1416AAG[1] (p.Arg475del)

Gene: NEXN (nexilin F-actin binding protein; plus strand). Cytogenetic location: 1p31.1.
Variant type: Microsatellite.
Coding change: c.1416AAG[1] on transcript NM_144573.4 (MANE Select); one copy of the 3-base unit AAG starting at c.1416; the reference has two copies in a row; one copy, 3 bases deleted; also written c.1419_1421del.
Protein change: p.Arg475del; deletes arginine 475.
Molecular consequence: inframe deletion.
Genome position (GRCh38, 1-based): chr1:77,935,990-77,935,992, AAG deleted; deleting any 3 consecutive bases within chr1:77,935,987-77,935,992 gives the same sequence; the position shown is the placement nearest the transcript's 3' end. VCF-style (leftmost placement, unchanged base first): chr1-77935986-CAAG-C. GRCh37 (hg19) VCF-style: chr1-78401671-CAAG-C.
Other names: c.1419_1421delAAG (NM_144573.3, NM_144573.4); c.1227_1229delAAG (NM_001172309.1); c.1224AAG[1], p.Arg411del (NM_001172309.2); c.1419_1421del (NM_144573.4); short protein forms R475del, R411del.
Identifiers: ClinVar variation 201940 (VCV000201940.28), dbSNP rs794729091, ClinGen allele CA335456.

ClinVar aggregate classification (germline): Conflicting classifications of pathogenicity. Review status: criteria provided, conflicting classifications (1 of 4 stars). 10 submissions from 10 submitters: Uncertain significance (8); Likely benign (2). Last evaluated 2026-02-24.

Conditions:
NEXN-related disorder. Also called: NEXN-related condition; NEXN-related disorders.
Cardiovascular phenotype. Identifiers: MedGen CN230736.
Primary familial dilated cardiomyopathy (FDC). Also called: Hypokinetic dilated cardiomyopathy, familial; Familial dilated cardiomyopathy. Identifiers: Orphanet 217607, MedGen C0340427, MONDO:0016333.
Hypertrophic cardiomyopathy 20. Identifiers: MedGen C3151267, MONDO:0013477, OMIM 613876.
Dilated cardiomyopathy 1CC (CMD1CC). Identifiers: Orphanet 154, MedGen C2751084, MONDO:0013147, OMIM 613122.
Cardiomyopathy (CMYO). Also called: Cardiomyopathies. Identifiers: Orphanet 167848, MedGen C0878544, MONDO:0004994, HP:0001638. Inheritance: Various modes of inheritance.

Submissions (10):

PreventionGenetics, part of Exact Sciences
Classification: Uncertain significance for NEXN-related condition. Last evaluated: 2026-02-24. Review status: criteria provided, single submitter. Criteria: ACMG Guidelines, 2015. Collection method: clinical testing. Allele origin: germline.
Comment: The NEXN c.1419_1421delAAG variant is predicted to result in an in-frame deletion (p.Arg475del). This variant has been reported in individuals with dilated cardiomyopathy or sudden death; however, no additional studies were performed to help assess the pathogenicity of this variant (Scheiper et al. 2018. PubMed ID: 30415094; Online supplementary file 2, van Lint et al. 2019. PubMed ID: 30847666; described as c.1416_1418delAAG in Online Table 1, Gigli et al. 2019. PubMed ID: 31514951). This variant has also been reported in an affected individual who also carried a TTN frameshift variant (Table S1, Perotto et al. 2025. PubMed ID: 40680702). This variant is reported in 0.020% of alleles in individuals of European (Non-Finnish) descent in gnomAD and has conflicting interpretations of pathogenicity in ClinVar ranging from likely benign to uncertain (Variation ID: 201940). At this time, the clinical significance of this variant is uncertain due to the absence of conclusive functional and genetic evidence.

Labcorp Genetics (formerly Invitae), Labcorp
Classification: Uncertain significance for Dilated cardiomyopathy 1CC; Hypertrophic cardiomyopathy 20. Last evaluated: 2026-01-27. Review status: criteria provided, single submitter. Criteria: Invitae Variant Classification Sherloc (09022015). Collection method: clinical testing. Allele origin: germline.
Comment: This variant, c.1419_1421del, results in the deletion of 1 amino acid(s) of the NEXN protein (p.Arg475del), but otherwise preserves the integrity of the reading frame. This variant is present in population databases (rs766608869, gnomAD 0.02%). This variant has been observed in individual(s) with dilated cardiomyopathy (PMID: 31514951). ClinVar contains an entry for this variant (Variation ID: 201940). Experimental studies and prediction algorithms are not available or were not evaluated, and the functional significance of this variant is currently unknown. In summary, the available evidence is currently insufficient to determine the role of this variant in disease. Therefore, it has been classified as a Variant of Uncertain Significance.

Women's Health and Genetics/Laboratory Corporation of America, LabCorp
Classification: Uncertain significance. Last evaluated: 2026-01-16. Review status: criteria provided, single submitter. Criteria: LabCorp Variant Classification Summary - May 2015. Collection method: clinical testing. Allele origin: germline.
Comment: Variant summary: NEXN c.1419_1421delAAG (p.Arg475del) results in an in-frame deletion that is predicted to remove one amino acid from the encoded protein. The variant allele was found at a frequency of 0.00017 in 249020 control chromosomes. c.1419_1421delAAG has been observed in individual(s) affected with hypertrophic (HCM) and dilated cardiomyopathy (examples: Gigli_2019 and Perotto_2025). These report(s) do not provide unequivocal conclusions about association of the variant with Dilated Cardiomyopathy. To our knowledge, no experimental evidence demonstrating an impact on protein function has been reported. The following publications have been ascertained in the context of this evaluation (PMID: 31514951, 40680702). ClinVar contains an entry for this variant (Variation ID: 201940). Based on the evidence outlined above, the variant was classified as uncertain significance.

Clinical Genomics Laboratory, Stanford Medicine
Classification: Likely benign. Last evaluated: 2024-09-19. Review status: criteria provided, single submitter. Criteria: ACMG Guidelines, 2015. Collection method: clinical testing. Allele origin: germline. Observed: 1 variant allele, 1 heterozygote.
Comment: The NEXN c.1419_1421del (p.Arg475del) variant identified in this individual was previously classified as a variant of uncertain significance on the original report issued 06/05/2023. Since the original reporting of this variant, updated population data indicates that this variant is present in the population at an allele frequency higher than expected for a pathogenic variant. This variant has been identified in 7/6084 Middle Eastern chromosomes (196/1613672 chromosomes overall) by the Genome Aggregation Database v4.1.0. This additional information provides sufficient evidence to update the classification of the NEXN c.1419_1421del (p.Arg475del) variant to likely benign.

GeneDx
Classification: Uncertain significance. Last evaluated: 2023-04-03. Review status: criteria provided, single submitter. Criteria: GeneDx Variant Classification Process June 2021. Collection method: clinical testing. Allele origin: germline. Affected: yes.
Comment: Reported in an individual with DCM (Gigli et al., 2019); described as c.1416_1418delAAG (p.Arg475del); In-frame deletion of one amino acid in a non-repeat region; In silico analysis supports a deleterious effect on protein structure/function; This variant is associated with the following publications: (PMID: 34426522, 31514951)

Clinical Genetics Laboratory, Skane University Hospital Lund
Classification: Uncertain significance. Last evaluated: 2023-01-23. Review status: criteria provided, single submitter. Criteria: ACMG Guidelines, 2015. Collection method: clinical testing. Allele origin: germline. Affected: yes.

Ambry Genetics
Classification: Likely benign for Cardiovascular phenotype. Last evaluated: 2020-09-23. Review status: criteria provided, single submitter. Criteria: Ambry Variant Classification Scheme 2023. Collection method: clinical testing. Allele origin: germline.

CHEO Genetics Diagnostic Laboratory, Children's Hospital of Eastern Ontario
Classification: Uncertain significance for Cardiomyopathy. Last evaluated: 2019-03-01. Review status: criteria provided, single submitter. Criteria: ACMG Guidelines, 2015. Collection method: clinical testing. Allele origin: germline.

Stanford Center for Inherited Cardiovascular Disease, Stanford University
Classification: Uncertain significance. Last evaluated: 2013-05-22. Review status: criteria provided, single submitter. Criteria: ACMG Guidelines, 2015. Collection method: provider interpretation. Allele origin: germline.

Molecular Diagnostic Laboratory for Inherited Cardiovascular Disease, Montreal Heart Institute
Classification: Uncertain significance for Familial dilated cardiomyopathy. Review status: criteria provided, single submitter. Criteria: ACMG Guidelines, 2015. Collection method: clinical testing. Allele origin: germline. Affected: yes.

Literature cited by the submitters: PubMed 31514951 (cited by 3 submitters); PubMed 40680702 (cited by Women's Health and Genetics/Laboratory Corporation of America, LabCorp); PubMed 30415094 (cited by Ambry Genetics); PubMed 30847666 (cited by Ambry Genetics).